The following is an entry in ClinVar:

ClinVar aggregate classification (germline): Likely benign (1 of 4 stars; one submission).

Submission:

GeneDx
Classification: Likely benign. Last evaluated: 2019-08-15. Review status: criteria provided, single submitter. Criteria: GeneDx Variant Classification Process June 2021. Collection method: clinical testing. Allele origin: germline. Affected: yes.
Comment: See Variant Classification Assertion Criteria.

NM_001405607.1(PBRM1):c.4943-195del

Gene: PBRM1 (polybromo 1; minus strand). Cytogenetic location: 3p21.1.
Variant type: Deletion.
Coding change: c.4943-195del on transcript NM_001405607.1 (MANE Select); 195 bases into the intron before coding-DNA position 4943, one base deleted (A; older notation c.4943-195delA).
Molecular consequence: intron variant.
Genome position (GRCh38, 1-based): chr3:52,548,430, T deleted on the plus strand (A on the coding strand, the reverse complement: PBRM1 is on the minus strand); the first of 15 consecutive T bases (chr3:52,548,430-52,548,444); deleting any one gives the same sequence. VCF-style (leftmost placement, unchanged base first): chr3-52548429-AT-A. GRCh37 (hg19) VCF-style: chr3-52582445-AT-A.
Other names: c.4730-195del (NM_001405585.1, NM_001394874.1, NM_001405578.1 and 6 more transcripts); c.4577-195del (NM_001405555.1, NM_018313.5, NM_001394875.1 and 9 more transcripts); c.4733-195del (NM_001405556.1, NM_001394872.1, NM_001350075.2 and 8 more transcripts); c.4898-195del (NM_001405581.1, NM_001394868.1, NM_001400470.1 and 4 more transcripts); c.4544-195del (NM_001405573.1); c.4559-195del (NM_001405572.1); c.4637-195del (NM_001405582.1, NM_001405599.1, NM_001400487.1 and 2 more transcripts); c.4574-195del (NM_001405563.1, NM_001394877.1, NM_001394876.1 and 1 more transcripts); and 41 more.
Identifiers: ClinVar variation 4795551 (VCV004795551.1).
Genomic context (GRCh38, chr3:52,548,429, plus strand): 5'-GAATATTTCCAGGCACATTTCTTATATCATTTTACTAGGCACTAAAAGATTTGATCATAA[AT>A]TTTTTTTTTTTTTTGACATCGAGTCTCGCTCTGTCGCCCTCGCTGGAGTGCAGTGGCGCG-3'